The following is an entry in ClinVar:

ClinVar aggregate classification (germline): Uncertain significance (1 of 4 stars; one submission).

Conditions:
Seizures, benign familial infantile, 3 (BFIS3). Also called: CONVULSIONS, BENIGN FAMILIAL INFANTILE, 3; Familial neonatal seizures. Identifiers: Orphanet 140927, Orphanet 306, MedGen C1843140, MONDO:0011904, OMIM 607745.
Developmental and epileptic encephalopathy, 11 (DEE11). Also called: Early infantile epileptic encephalopathy 11. Identifiers: Orphanet 1934, MedGen C3150987, MONDO:0013388, OMIM 613721.

Allele frequency attached by ClinVar (database versions not stated): TOPMed 0.00001.

Submission:

Labcorp Genetics (formerly Invitae), Labcorp
Classification: Uncertain significance for Seizures, benign familial infantile, 3; Developmental and epileptic encephalopathy, 11. Last evaluated: 2026-02-03. Review status: criteria provided, single submitter. Criteria: Invitae Variant Classification Sherloc (09022015). Collection method: clinical testing. Allele origin: germline.
Comment: This sequence change replaces glutamic acid, which is acidic and polar, with lysine, which is basic and polar, at codon 182 of the SCN2A protein (p.Glu182Lys). This variant is not present in population databases (gnomAD no frequency). This variant has not been reported in the literature in individuals affected with SCN2A-related conditions. ClinVar contains an entry for this variant (Variation ID: 2930058). Invitae Evidence Modeling of protein sequence and biophysical properties (such as structural, functional, and spatial information, amino acid conservation, physicochemical variation, residue mobility, and thermodynamic stability) has been performed for this missense variant. However, the output from this modeling did not meet the statistical confidence thresholds required to predict the impact of this variant on SCN2A protein function. Algorithms developed to predict the effect of sequence changes on RNA splicing suggest that this variant may disrupt the consensus splice site. In summary, the available evidence is currently insufficient to determine the role of this variant in disease. Therefore, it has been classified as a Variant of Uncertain Significance.

NM_001040142.2(SCN2A):c.544G>A (p.Glu182Lys)

Gene: SCN2A (sodium voltage-gated channel alpha subunit 2; plus strand). Cytogenetic location: 2q24.3.
Variant type: single nucleotide variant.
Coding change: c.544G>A on transcript NM_001040142.2 (MANE Select); coding-DNA position 544, G replaced by A.
Protein change: p.Glu182Lys; replaces glutamic acid 182 with lysine.
Molecular consequence: missense variant.
Genome position (GRCh38, 1-based): chr2:165,308,733, G>A. VCF-style: chr2-165308733-G-A. GRCh37 (hg19) VCF-style: chr2-166165243-G-A.
Other names: c.544G>A, p.Glu182Lys (NM_001040143.2, NM_001371246.1, NM_001371247.1 and 1 more transcripts); short protein forms E182K.
Identifiers: ClinVar variation 2930058 (VCV002930058.3), dbSNP rs932366067, ClinGen allele CA59727822.